The following is an entry in ClinVar:

NM_000136.3(FANCC):c.996+1G>A

Genes: FANCC (FA complementation group C; minus strand), AOPEP (aminopeptidase O (putative); plus strand). Cytogenetic location: 9q22.32.
Variant type: single nucleotide variant.
Coding change: c.996+1G>A on transcript NM_000136.3 (MANE Select); the canonical splice donor site of the intron after coding-DNA position 996, G replaced by A.
Molecular consequence: splice donor variant.
Genome position (GRCh38, 1-based): chr9:95,125,085, C>T on the plus strand (G>A on the coding strand, the complement: FANCC is on the minus strand). VCF-style: chr9-95125085-C-T. GRCh37 (hg19) VCF-style: chr9-97887367-C-T.
Other names: c.996+1G>A (NM_001243743.2, NM_001243744.2).
Identifiers: ClinVar variation 555274 (VCV000555274.14), dbSNP rs370510954, ClinGen allele CA374108719.
Genomic context (GRCh38, chr9:95,125,085, plus strand): 5'-AATACTCTCAACAGCGTCTTATTCTCTGGGATGAATGAGTAATATATGTGATATAACAAA[C>T]CTGCTTGCTTGCTTTCTCCAGAGCTTCTACAAAGCACTGCGTAAACACCTGAATAGTGGC-3'

ClinVar aggregate classification (germline): Pathogenic/Likely pathogenic. Review status: criteria provided, multiple submitters, no conflicts (2 of 4 stars). 6 submissions from 6 submitters: Pathogenic (2); Likely pathogenic (2). 2 of the submissions do not count toward it. Last evaluated 2026-01-14.

Conditions:
Hereditary cancer-predisposing syndrome. Also called: Hereditary Cancer Syndrome; Hereditary neoplastic syndrome; Tumor predisposition; Neoplastic Syndromes, Hereditary. Identifiers: Orphanet 140162, MedGen C0027672, MeSH D009386, MONDO:0015356.
Fanconi anemia (FA). Also called: Fanconi's anemia. Identifiers: Orphanet 84, MedGen C0015625, MeSH D005199, MONDO:0019391.
Fanconi anemia complementation group C (FANCC). Also called: FANCC-Related Fanconi Anemia; FANCONI PANCYTOPENIA, TYPE 3; FACC; Fanconi anemia, group C. Identifiers: Orphanet 84, MedGen C3468041, MONDO:0009213, OMIM 227645.

gnomAD v4.1: 1 of 1,613,634 alleles (0.000062%); highest among the groups gnomAD compares: Non-Finnish European, 0.000085%; no homozygotes.

Submissions (6):

Labcorp Genetics (formerly Invitae), Labcorp
Classification: Pathogenic for Fanconi anemia. Last evaluated: 2026-01-14. Review status: criteria provided, single submitter. Criteria: Invitae Variant Classification Sherloc (09022015). Collection method: clinical testing. Allele origin: germline.
Comment: This sequence change affects a donor splice site in intron 10 of the FANCC gene. It is expected to disrupt RNA splicing. Variants that disrupt the donor or acceptor splice site typically lead to a loss of protein function (PMID: 16199547), and loss-of-function variants in FANCC are known to be pathogenic (PMID: 17924555). This variant is not present in population databases (gnomAD no frequency). Disruption of this splice site has been observed in individual(s) with FANCC-related conditions and/or Fanconi anemia (PMID: 34654685, 37865086). In at least one individual the data is consistent with being in trans (on the opposite chromosome) from a pathogenic variant. ClinVar contains an entry for this variant (Variation ID: 555274). Algorithms developed to predict the effect of sequence changes on RNA splicing suggest that this variant may disrupt the consensus splice site. For these reasons, this variant has been classified as Pathogenic.

Natera, Inc.
Classification: Pathogenic for Fanconi anemia. Last evaluated: 2025-10-13. Review status: criteria provided, single submitter. Criteria: Natera Variant Classification Schema (03/2026). Collection method: clinical testing. Allele origin: germline.
Comment: The c.996+1G>A variant in FANCC is a canonical splice donor site variant predicted to affect pre-mRNA splicing, which may result in an abnormal transcript and altered protein product. This variant is expected to result in nonsense mediated decay, truncation, or a dysfunctional protein product. This variant is rare in the general population with a frequency below the threshold expected for the associated phenotype(s). Another variant at this same site results in an alteration predicted to cause a similar molecular effect has been observed in individual(s) with the associated phenotype. Given the available evidence, this variant is classified as Pathogenic.

Ambry Genetics
Classification: Likely pathogenic for Hereditary cancer-predisposing syndrome. Last evaluated: 2023-03-22. Review status: criteria provided, single submitter. Criteria: Ambry Variant Classification Scheme 2023. Collection method: clinical testing. Allele origin: germline.
Comment: The c.996+1G>A intronic variant results from a G to A substitution one nucleotide after coding exon 9 of the FANCC gene. This variant is considered to be rare based on population cohorts in the Genome Aggregation Database (gnomAD). This nucleotide position is highly conserved in available vertebrate species. In silico splice site analysis predicts that this alteration will weaken the native splice donor site. Alterations that disrupt the canonical splice site are expected to cause aberrant splicing, resulting in an abnormal protein or a transcript that is subject to nonsense-mediated mRNA decay. As such, this alteration is classified as likely pathogenic.

Women's Health and Genetics/Laboratory Corporation of America, LabCorp
Classification: Likely pathogenic for Fanconi anemia, complementation group C. Last evaluated: 2018-07-02. Review status: criteria provided, single submitter. Criteria: LabCorp Variant Classification Summary - May 2015. Collection method: clinical testing. Allele origin: germline.
Comment: Variant summary: FANCC c.996+1G>A is located in a canonical splice-site and is predicted to affect mRNA splicing resulting in a significantly altered protein due to either exon skipping, shortening, or inclusion of intronic material. Several computational tools predict a significant impact on normal splicing: Four predict the variant abolishes a 5 splicing donor site. However, these predictions have yet to be confirmed by functional studies. The variant was absent in 121274 control chromosomes (ExAC). To our knowledge, no occurrence of c.996+1G>A in individuals affected with Fanconi Anemia Group C and no experimental evidence demonstrating its impact on protein function have been reported. No clinical diagnostic laboratories have submitted clinical-significance assessments for this variant to ClinVar after 2014. Based on the evidence outlined above, the variant was classified as likely pathogenic.

Leiden Open Variation Database
Classification: Pathogenic for Fanconi anemia complementation group C. Last evaluated: 2020-02-28. Review status: no assertion criteria provided. Collection method: curation. Allele origin: germline. Affected: yes. Not counted in ClinVar's aggregate classification.
Comment: Curator: Arleen D. Auerbach. Submitter to LOVD: Arleen D. Auerbach.

Counsyl
Classification: Likely pathogenic for Fanconi anemia complementation group C. Last evaluated: 2017-11-27. Review status: no assertion criteria provided. Collection method: clinical testing. Allele origin: unknown. Not counted in ClinVar's aggregate classification.

Literature cited by the submitters: PubMed 16199547 (cited by Labcorp Genetics (formerly Invitae), Labcorp); PubMed 17924555 (cited by Labcorp Genetics (formerly Invitae), Labcorp); PubMed 34654685 (cited by Labcorp Genetics (formerly Invitae), Labcorp); PubMed 37865086 (cited by Labcorp Genetics (formerly Invitae), Labcorp).